The following is an entry in ClinVar:

ClinVar aggregate classification (germline): Uncertain significance (1 of 4 stars; one submission).

Conditions:
ALG6-congenital disorder of glycosylation 1C (CDG1C). Also called: CDG Ic; CARBOHYDRATE-DEFICIENT GLYCOPROTEIN SYNDROME, TYPE I, WITH DEFICIENT GLYCOSYLATION OF DOLICHOL-LINKED OLIGOSACCHARIDE; CARBOHYDRATE-DEFICIENT GLYCOPROTEIN SYNDROME, TYPE V; Congenital disorder of glycosylation type 1C; Congenital disorder of glycosylation, type Ic. Identifiers: Orphanet 79320, MedGen C2930997, MONDO:0011291, OMIM 603147.

Submission:

Labcorp Genetics (formerly Invitae), Labcorp
Classification: Uncertain significance for ALG6-congenital disorder of glycosylation 1C. Last evaluated: 2022-08-09. Review status: criteria provided, single submitter. Criteria: Invitae Variant Classification Sherloc (09022015). Collection method: clinical testing. Allele origin: germline.
Comment: In summary, the available evidence is currently insufficient to determine the role of this variant in disease. Therefore, it has been classified as a Variant of Uncertain Significance. Variants that disrupt the consensus splice site are a relatively common cause of aberrant splicing (PMID: 17576681, 9536098). Algorithms developed to predict the effect of sequence changes on RNA splicing suggest that this variant is not likely to affect RNA splicing. This variant has not been reported in the literature in individuals affected with ALG6-related conditions. This variant is not present in population databases (gnomAD no frequency). This sequence change falls in intron 4 of the ALG6 gene. It does not directly change the encoded amino acid sequence of the ALG6 protein. It affects a nucleotide within the consensus splice site.

Literature cited by the submitters: PubMed 17576681; PubMed 9536098.

NM_013339.4(ALG6):c.258-3C>T

Gene: ALG6 (ALG6 alpha-1,3-glucosyltransferase; plus strand). Cytogenetic location: 1p31.3.
Variant type: single nucleotide variant.
Coding change: c.258-3C>T on transcript NM_013339.4 (MANE Select); 3 bases into the intron before coding-DNA position 258, C replaced by T.
Molecular consequence: intron variant.
Genome position (GRCh38, 1-based): chr1:63,404,450, C>T. VCF-style: chr1-63404450-C-T. GRCh37 (hg19) VCF-style: chr1-63870121-C-T.
Identifiers: ClinVar variation 2083898 (VCV002083898.4), dbSNP rs2523729653, ClinGen allele CA2580063177.